The following is an entry in ClinVar:

ClinVar aggregate classification (germline): Conflicting classifications of pathogenicity. Review status: criteria provided, conflicting classifications (1 of 4 stars). 2 submissions from 2 submitters: Uncertain significance (1); Likely benign (1). Last evaluated 2025-07-01.

Allele frequency attached by ClinVar (database versions not stated): gnomAD 0.00001; ExAC 0.00002; gnomAD exomes 0.00002 and 0.00003.
gnomAD v4.1: 45 of 1,614,096 alleles (0.0028%); highest among the groups gnomAD compares: South Asian, 0.049%; 2 homozygotes.

Submissions (2):

CeGaT Center for Human Genetics Tuebingen
Classification: Likely benign. Last evaluated: 2025-07-01. Review status: criteria provided, single submitter. Criteria: CeGaT Center For Human Genetics Tuebingen Variant Classification Criteria Version 2. Collection method: clinical testing. Allele origin: germline. Affected: yes. Observed: 1 variant allele.
Comment: ZNF408: BP4

Labcorp Genetics (formerly Invitae), Labcorp
Classification: Uncertain significance. Last evaluated: 2025-05-30. Review status: criteria provided, single submitter. Criteria: Invitae Variant Classification Sherloc (09022015). Collection method: clinical testing. Allele origin: germline.
Comment: This sequence change replaces alanine, which is neutral and non-polar, with threonine, which is neutral and polar, at codon 122 of the ZNF408 protein (p.Ala122Thr). This variant is present in population databases (rs776097939, gnomAD 0.02%). This variant has not been reported in the literature in individuals affected with ZNF408-related conditions. ClinVar contains an entry for this variant (Variation ID: 1446658). An algorithm developed to predict the effect of missense changes on protein structure and function outputs the following: PolyPhen-2: "Probably Damaging". The threonine amino acid residue is found in multiple mammalian species, which suggests that this missense change does not adversely affect protein function. In summary, the available evidence is currently insufficient to determine the role of this variant in disease. Therefore, it has been classified as a Variant of Uncertain Significance.

NM_024741.3(ZNF408):c.364G>A (p.Ala122Thr)

Gene: ZNF408 (zinc finger protein 408; plus strand). Cytogenetic location: 11p11.2.
Variant type: single nucleotide variant.
Coding change: c.364G>A on transcript NM_024741.3 (MANE Select); coding-DNA position 364, G replaced by A.
Protein change: p.Ala122Thr; replaces alanine 122 with threonine.
Molecular consequence: missense variant.
Genome position (GRCh38, 1-based): chr11:46,702,737, G>A. VCF-style: chr11-46702737-G-A. GRCh37 (hg19) VCF-style: chr11-46724287-G-A.
Other names: c.340G>A, p.Ala114Thr (NM_001184751.2); short protein forms A114T, A122T.
Identifiers: ClinVar variation 1446658 (VCV001446658.16), dbSNP rs776097939, ClinGen allele CA5966322.